The following is an entry in ClinVar:

NM_000135.4(FANCA):c.1535C>T (p.Ser512Leu)

Gene: FANCA (FA complementation group A; minus strand). Cytogenetic location: 16q24.3.
Variant type: single nucleotide variant.
Coding change: c.1535C>T on transcript NM_000135.4 (MANE Select); coding-DNA position 1535, C replaced by T.
Protein change: p.Ser512Leu; replaces serine 512 with leucine.
Molecular consequence: missense variant.
Genome position (GRCh38, 1-based): chr16:89,783,038, G>A on the plus strand (C>T on the coding strand, the complement: FANCA is on the minus strand). VCF-style: chr16-89783038-G-A. GRCh37 (hg19) VCF-style: chr16-89849446-G-A.
Other names: c.1535C>T, p.Ser512Leu (NM_001286167.3); short protein forms S512L.
Identifiers: ClinVar variation 4532859 (VCV004532859.1).

ClinVar aggregate classification (germline): Uncertain significance (1 of 4 stars; one submission).

gnomAD v4.1: 1 of 1,613,820 alleles (0.000062%); highest among the groups gnomAD compares: Admixed American, 0.0017%; no homozygotes.

Submission:

Quest Diagnostics Nichols Institute San Juan Capistrano
Classification: Uncertain significance. Last evaluated: 2025-04-12. Review status: criteria provided, single submitter. Criteria: Quest Diagnostics criteria. Collection method: clinical testing. Allele origin: unknown.
Comment: The FANCA c.1535C>T (p.Ser512Leu) variant has not been reported in individuals with FANCA-related conditions in the published literature. It also has not been reported in large, multi-ethnic general populations (Genome Aggregation Database). Analysis of this variant using bioinformatics tools for the prediction of the effect of amino acid changes on protein structure and function yielded predictions that this variant is benign. Based on the available information, we are unable to determine the clinical significance of this variant.